The following is an entry in ClinVar:

NM_000368.5(TSC1):c.1998-2A>G

Gene: TSC1 (TSC complex subunit 1; minus strand). Cytogenetic location: 9q34.13.
Variant type: single nucleotide variant.
Coding change: c.1998-2A>G on transcript NM_000368.5 (MANE Select); the canonical splice acceptor site of the intron before coding-DNA position 1998, A replaced by G.
Molecular consequence: splice acceptor variant.
Genome position (GRCh38, 1-based): chr9:132,904,456, T>C on the plus strand (A>G on the coding strand, the complement: TSC1 is on the minus strand). VCF-style: chr9-132904456-T-C. GRCh37 (hg19) VCF-style: chr9-135779843-T-C.
Other names: c.1632-2A>G (NM_001406620.1, NM_001406625.1, NM_001406621.1 and 2 more transcripts); c.1635-2A>G (NM_001406618.1, NM_001406617.1, NM_001406619.1 and 5 more transcripts); c.1842-2A>G (NM_001406613.1, NM_001406612.1, NM_001406611.1); c.1845-2A>G (NM_001406610.1, NM_001162427.2); c.1044-2A>G (NM_001406627.1, NM_001406628.1); c.945-2A>G (NM_001406629.1, NM_001406630.1); c.1995-2A>G (NM_001406603.1, NM_001406609.1, NM_001406597.1 and 6 more transcripts); c.1998-2A>G (NM_001406602.1, NM_001406606.1, NM_001406592.1 and 7 more transcripts); and 1 more.
Identifiers: ClinVar variation 373102 (VCV000373102.8), dbSNP rs1057518217, ClinGen allele CA16042671.

ClinVar aggregate classification (germline): Pathogenic/Likely pathogenic. Review status: criteria provided, multiple submitters, no conflicts (2 of 4 stars). 3 submissions from 3 submitters: Pathogenic (2); Likely pathogenic (1). Last evaluated 2025-01-13.

Conditions:
Tuberous sclerosis syndrome (TSC). Also called: Tuberous Sclerosis Complex; Tuberous sclerosis. Identifiers: Orphanet 805, MedGen C0041341, MONDO:0001734.
Tuberous sclerosis 1 (TSC1). Identifiers: Orphanet 805, MedGen C1854465, MONDO:0008612, OMIM 191100.

Submissions (3):

GeneDx
Classification: Pathogenic. Last evaluated: 2025-01-13. Review status: criteria provided, single submitter. Criteria: GeneDx Variant Classification Process June 2021. Collection method: clinical testing. Allele origin: germline. Affected: yes.
Comment: Canonical splice site variant predicted to result in a null allele in a gene for which loss of function is a known mechanism of disease; Not observed at significant frequency in large population cohorts (gnomAD); Has not been previously published as pathogenic or benign to our knowledge; This variant is associated with the following publications: (PMID: 29432982)

Labcorp Genetics (formerly Invitae), Labcorp
Classification: Pathogenic for Tuberous sclerosis 1. Last evaluated: 2023-11-17. Review status: criteria provided, single submitter. Criteria: Invitae Variant Classification Sherloc (09022015). Collection method: clinical testing. Allele origin: germline.
Comment: This sequence change affects an acceptor splice site in intron 15 of the TSC1 gene. It is expected to disrupt RNA splicing. Variants that disrupt the donor or acceptor splice site typically lead to a loss of protein function (PMID: 16199547), and loss-of-function variants in TSC1 are known to be pathogenic (PMID: 10227394, 17304050). This variant is not present in population databases (gnomAD no frequency). Disruption of this splice site has been observed in individuals with clinical features of tuberous sclerosis complex (PMID: 29432982; Invitae). ClinVar contains an entry for this variant (Variation ID: 373102). Algorithms developed to predict the effect of sequence changes on RNA splicing suggest that this variant may disrupt the consensus splice site. For these reasons, this variant has been classified as Pathogenic.

Women's Health and Genetics/Laboratory Corporation of America, LabCorp
Classification: Likely pathogenic for Tuberous sclerosis syndrome. Last evaluated: 2023-07-14. Review status: criteria provided, single submitter. Criteria: LabCorp Variant Classification Summary - May 2015. Collection method: clinical testing. Allele origin: germline.
Comment: Variant summary: TSC1 c.1998-2A>G is located in a canonical splice-site and is predicted to affect mRNA splicing resulting in a significantly altered protein due to either exon skipping, shortening, or inclusion of intronic material. Several computational tools predict a significant impact on normal splicing: Four predict the variant abolishes a 3' acceptor site. However, these predictions have yet to be confirmed by functional studies. The variant was absent in 250794 control chromosomes. To our knowledge, no occurrence of c.1998-2A>G in individuals affected with Tuberous Sclerosis Complex and no experimental evidence demonstrating its impact on protein function have been reported. One submitter has cited clinical-significance assessments for this variant to ClinVar after 2014 and has classified the variant as pathogenic. Based on the evidence outlined above, the variant was classified as likely pathogenic.

Literature cited by the submitters: PubMed 16199547 (cited by Labcorp Genetics (formerly Invitae), Labcorp); PubMed 10227394 (cited by Labcorp Genetics (formerly Invitae), Labcorp); PubMed 17304050 (cited by Labcorp Genetics (formerly Invitae), Labcorp); PubMed 29432982 (cited by Labcorp Genetics (formerly Invitae), Labcorp).